The following is an entry in ClinVar:

ClinVar aggregate classification (germline): Uncertain significance (1 of 4 stars; one submission).

gnomAD v4.1: 2 of 1,614,136 alleles (0.00012%); highest among the groups gnomAD compares: Non-Finnish European, 0.000085%; no homozygotes.

Submission:

Labcorp Genetics (formerly Invitae), Labcorp
Classification: Uncertain significance. Last evaluated: 2024-09-05. Review status: criteria provided, single submitter. Criteria: Invitae Variant Classification Sherloc (09022015). Collection method: clinical testing. Allele origin: germline.
Comment: This sequence change replaces valine, which is neutral and non-polar, with leucine, which is neutral and non-polar, at codon 3628 of the USH2A protein (p.Val3628Leu). This variant is not present in population databases (gnomAD no frequency). This variant has not been reported in the literature in individuals affected with USH2A-related conditions. ClinVar contains an entry for this variant (Variation ID: 841664). Invitae Evidence Modeling of protein sequence and biophysical properties (such as structural, functional, and spatial information, amino acid conservation, physicochemical variation, residue mobility, and thermodynamic stability) indicates that this missense variant is not expected to disrupt USH2A protein function with a negative predictive value of 95%. In summary, the available evidence is currently insufficient to determine the role of this variant in disease. Therefore, it has been classified as a Variant of Uncertain Significance.

NM_206933.4(USH2A):c.10882G>C (p.Val3628Leu)

Gene: USH2A (usherin; minus strand). Cytogenetic location: 1q41.
Variant type: single nucleotide variant.
Coding change: c.10882G>C on transcript NM_206933.4 (MANE Select); coding-DNA position 10882, G replaced by C.
Protein change: p.Val3628Leu; replaces valine 3628 with leucine.
Molecular consequence: missense variant.
Genome position (GRCh38, 1-based): chr1:215,779,900, C>G on the plus strand (G>C on the coding strand, the complement: USH2A is on the minus strand). VCF-style: chr1-215779900-C-G. GRCh37 (hg19) VCF-style: chr1-215953242-C-G.
Other names: short protein forms V3628L.
Identifiers: ClinVar variation 841664 (VCV000841664.9), dbSNP rs1159530779, ClinGen allele CA344833473.